The following is an entry in ClinVar:

ClinVar aggregate classification (germline): Uncertain significance (1 of 4 stars; one submission).

Conditions:
Dyskeratosis congenita, autosomal recessive 6 (DKCB6). Identifiers: MedGen C4225356, MONDO:0014600, OMIM 616353.
Pulmonary fibrosis and/or bone marrow failure, Telomere-related, 4. Also called: PULMONARY FIBROSIS AND/OR BONE MARROW FAILURE SYNDROME, TELOMERE-RELATED, 4. Identifiers: Orphanet 2032, MedGen C4225347, MONDO:0014612, OMIM 616371.

Submission:

Labcorp Genetics (formerly Invitae), Labcorp
Classification: Uncertain significance for Dyskeratosis congenita, autosomal recessive 6; Pulmonary fibrosis and/or bone marrow failure, Telomere-related, 4. Last evaluated: 2024-05-27. Review status: criteria provided, single submitter. Criteria: Invitae Variant Classification Sherloc (09022015). Collection method: clinical testing. Allele origin: germline.
Comment: This sequence change replaces isoleucine, which is neutral and non-polar, with leucine, which is neutral and non-polar, at codon 473 of the PARN protein (p.Ile473Leu). This variant is not present in population databases (gnomAD no frequency). This variant has not been reported in the literature in individuals affected with PARN-related conditions. Advanced modeling of protein sequence and biophysical properties (such as structural, functional, and spatial information, amino acid conservation, physicochemical variation, residue mobility, and thermodynamic stability) performed at Invitae indicates that this missense variant is not expected to disrupt PARN protein function with a negative predictive value of 80%. In summary, the available evidence is currently insufficient to determine the role of this variant in disease. Therefore, it has been classified as a Variant of Uncertain Significance.

NM_002582.4(PARN):c.1417A>T (p.Ile473Leu)

Gene: PARN (poly(A)-specific ribonuclease; minus strand). Cytogenetic location: 16p13.12.
Variant type: single nucleotide variant.
Coding change: c.1417A>T on transcript NM_002582.4 (MANE Select); coding-DNA position 1417, A replaced by T.
Protein change: p.Ile473Leu; replaces isoleucine 473 with leucine.
Molecular consequence: missense variant.
Genome position (GRCh38, 1-based): chr16:14,552,084, T>A on the plus strand (A>T on the coding strand, the complement: PARN is on the minus strand). VCF-style: chr16-14552084-T-A. GRCh37 (hg19) VCF-style: chr16-14645941-T-A.
Other names: c.1234A>T, p.Ile412Leu (NM_001134477.3); c.1279A>T, p.Ile427Leu (NM_001242992.2); short protein forms I412L, I427L, I473L.
Identifiers: ClinVar variation 3756568 (VCV003756568.2).